The following is an entry in ClinVar:

NM_006329.4(FBLN5):c.1335G>C (p.Gln445His)

Gene: FBLN5 (fibulin 5; minus strand). Cytogenetic location: 14q32.12.
Variant type: single nucleotide variant.
Coding change: c.1335G>C on transcript NM_006329.4 (MANE Select); coding-DNA position 1335, G replaced by C.
Protein change: p.Gln445His; replaces glutamine 445 with histidine.
Molecular consequence: missense variant. On other transcripts: 3 prime UTR variant (2).
Genome position (GRCh38, 1-based): chr14:91,870,236, C>G on the plus strand (G>C on the coding strand, the complement: FBLN5 is on the minus strand). VCF-style: chr14-91870236-C-G. GRCh37 (hg19) VCF-style: chr14-92336580-C-G.
Other names: c.1458G>C, p.Gln486His (NM_001384158.1); c.1386G>C, p.Gln462His (NM_001384159.1); c.*119G>C (NM_001384160.1, NM_001384161.1); c.1167G>C, p.Gln389His (NM_001384162.1); short protein forms Q445H, Q462H, Q486H, Q389H.
Identifiers: ClinVar variation 1943808 (VCV001943808.7), dbSNP rs1408189199, ClinGen allele CA390638951.

ClinVar aggregate classification (germline): Uncertain significance. Review status: criteria provided, multiple submitters, no conflicts (2 of 4 stars). 2 submissions from 2 submitters: Uncertain significance (2). Last evaluated 2025-08-18.

Conditions:
Inborn genetic diseases. Identifiers: MedGen C0950123, MeSH D030342.

Allele frequency attached by ClinVar (database versions not stated): gnomAD 0.00003; TOPMed 0.00007.
gnomAD v4.1: 6 of 1,614,104 alleles (0.00037%); highest among the groups gnomAD compares: Admixed American, 0.0083%; no homozygotes.

Submissions (2):

Labcorp Genetics (formerly Invitae), Labcorp
Classification: Uncertain significance. Last evaluated: 2025-08-18. Review status: criteria provided, single submitter. Criteria: Invitae Variant Classification Sherloc (09022015). Collection method: clinical testing. Allele origin: germline.
Comment: This sequence change replaces glutamine, which is neutral and polar, with histidine, which is basic and polar, at codon 445 of the FBLN5 protein (p.Gln445His). This variant is present in population databases (no rsID available, gnomAD 0.003%). This variant has not been reported in the literature in individuals affected with FBLN5-related conditions. ClinVar contains an entry for this variant (Variation ID: 1943808). Invitae Evidence Modeling of protein sequence and biophysical properties (such as structural, functional, and spatial information, amino acid conservation, physicochemical variation, residue mobility, and thermodynamic stability) indicates that this missense variant is not expected to disrupt FBLN5 protein function with a negative predictive value of 80%. In summary, the available evidence is currently insufficient to determine the role of this variant in disease. Therefore, it has been classified as a Variant of Uncertain Significance.

Ambry Genetics
Classification: Uncertain significance for Inborn genetic diseases. Last evaluated: 2024-10-28. Review status: criteria provided, single submitter. Criteria: Ambry Variant Classification Scheme 2023. Collection method: clinical testing. Allele origin: germline.